The following is an entry in ClinVar:

ClinVar aggregate classification (germline): Uncertain significance (1 of 4 stars; one submission).

Conditions:
Hypertrophic cardiomyopathy. Also called: HYPERTROPHIC MYOCARDIOPATHY. Identifiers: Orphanet 217569, MedGen C0007194, MeSH D002312, MONDO:0005045, HP:0001639.

Allele frequency attached by ClinVar (database versions not stated): gnomAD exomes below 0.00001.
gnomAD v4.1: 1 of 1,614,160 alleles (0.000062%); highest among the groups gnomAD compares: Non-Finnish European, 0.000085%; no homozygotes.

Submission:

Labcorp Genetics (formerly Invitae), Labcorp
Classification: Uncertain significance for Hypertrophic cardiomyopathy. Last evaluated: 2020-06-08. Review status: criteria provided, single submitter. Criteria: Invitae Variant Classification Sherloc (09022015). Collection method: clinical testing. Allele origin: germline.
Comment: This sequence change replaces proline with leucine at codon 675 of the MYH7 protein (p.Pro675Leu). The proline residue is highly conserved and there is a moderate physicochemical difference between proline and leucine. This variant is found within a region of MYH7 between codons 181 and 937 that contains the majority of the myosin head domain. Missense variants in this region have been shown to be significantly overrepresented in individuals with hypertrophic cardiomyopathy (PMID: 27532257). In summary, the available evidence is currently insufficient to determine the role of this variant in disease. Therefore, it has been classified as a Variant of Uncertain Significance. This variant is not present in population databases (ExAC no frequency). This variant has not been reported in the literature in individuals with MYH7-related conditions. Algorithms developed to predict the effect of missense changes on protein structure and function (SIFT, PolyPhen-2, Align-GVGD) all suggest that this variant is likely to be disruptive, but these predictions have not been confirmed by published functional studies and their clinical significance is uncertain.

Literature cited by the submitters: PubMed 27532257.

NM_000257.4(MYH7):c.2024C>T (p.Pro675Leu)

Gene: MYH7 (myosin heavy chain 7; minus strand). Cytogenetic location: 14q11.2.
Variant type: single nucleotide variant.
Coding change: c.2024C>T on transcript NM_000257.4 (MANE Select); coding-DNA position 2024, C replaced by T.
Protein change: p.Pro675Leu; replaces proline 675 with leucine.
Molecular consequence: missense variant.
Genome position (GRCh38, 1-based): chr14:23,426,797, G>A on the plus strand (C>T on the coding strand, the complement: MYH7 is on the minus strand). VCF-style: chr14-23426797-G-A. GRCh37 (hg19) VCF-style: chr14-23896006-G-A.
Other names: short protein forms P675L.
Identifiers: ClinVar variation 1053980 (VCV001053980.9), dbSNP rs2138670181, ClinGen allele CA389049297.